The following is an entry in ClinVar:

NM_000202.8(IDS):c.667G>T (p.Val223Phe)

Genes: IDS (iduronate 2-sulfatase; minus strand), LOC106050102 (IDS recombination region; plus strand). Cytogenetic location: Xq28.
Variant type: single nucleotide variant.
Coding change: c.667G>T on transcript NM_000202.8 (MANE Select); coding-DNA position 667, G replaced by T.
Protein change: p.Val223Phe; replaces valine 223 with phenylalanine.
Molecular consequence: missense variant. On other transcripts: non-coding transcript variant (1).
Genome position (GRCh38, 1-based): chrX:149,498,148, C>A on the plus strand (G>T on the coding strand, the complement: IDS is on the minus strand). VCF-style: chrX-149498148-C-A. GRCh37 (hg19) VCF-style: chrX-148579679-C-A.
Other names: c.397G>T, p.Val133Phe (NM_001166550.4); c.667G>T, p.Val223Phe (NM_006123.5); short protein forms V133F, V223F.
Identifiers: ClinVar variation 2430992 (VCV002430992.2), dbSNP rs200784263, ClinGen allele CA414522217.

ClinVar aggregate classification (germline): Uncertain significance (1 of 4 stars; one submission).

Submission:

GeneDx
Classification: Uncertain significance. Last evaluated: 2026-02-14. Review status: criteria provided, single submitter. Criteria: GeneDx Variant Classification Process June 2021. Collection method: clinical testing. Allele origin: germline.
Comment: Not observed at significant frequency in large population cohorts (gnomAD); In silico analysis supports that this missense variant has a deleterious effect on protein structure/function; Has not been previously published as pathogenic or benign to our knowledge